The following is an entry in ClinVar:

NM_006922.4(SCN3A):c.5834T>C (p.Ile1945Thr)

Gene: SCN3A (sodium voltage-gated channel alpha subunit 3; minus strand). Cytogenetic location: 2q24.3.
Variant type: single nucleotide variant.
Coding change: c.5834T>C on transcript NM_006922.4 (MANE Select); coding-DNA position 5834, T replaced by C.
Protein change: p.Ile1945Thr; replaces isoleucine 1945 with threonine.
Molecular consequence: missense variant.
Genome position (GRCh38, 1-based): chr2:165,090,319, A>G on the plus strand (T>C on the coding strand, the complement: SCN3A is on the minus strand). VCF-style: chr2-165090319-A-G. GRCh37 (hg19) VCF-style: chr2-165946829-A-G.
Other names: c.5687T>C, p.Ile1896Thr (NM_001081677.2, NM_001081676.2); short protein forms I1896T, I1945T.
Identifiers: ClinVar variation 1307404 (VCV001307404.5), dbSNP rs2105616234, ClinGen allele CA349009516.

ClinVar aggregate classification (germline): Uncertain significance. Review status: criteria provided, multiple submitters, no conflicts (2 of 4 stars). 2 submissions from 2 submitters: Uncertain significance (2). Last evaluated 2024-08-02.

Submissions (2):

GeneDx
Classification: Uncertain significance. Last evaluated: 2024-08-02. Review status: criteria provided, single submitter. Criteria: GeneDx Variant Classification Process June 2021. Collection method: clinical testing. Allele origin: germline. Affected: yes.
Comment: Not observed at significant frequency in large population cohorts (gnomAD); In silico analysis supports that this missense variant has a deleterious effect on protein structure/function; Has not been previously published as pathogenic or benign to our knowledge

Labcorp Genetics (formerly Invitae), Labcorp
Classification: Uncertain significance. Last evaluated: 2024-06-22. Review status: criteria provided, single submitter. Criteria: Invitae Variant Classification Sherloc (09022015). Collection method: clinical testing. Allele origin: germline.
Comment: This sequence change replaces isoleucine, which is neutral and non-polar, with threonine, which is neutral and polar, at codon 1945 of the SCN3A protein (p.Ile1945Thr). This variant is not present in population databases (gnomAD no frequency). This variant has not been reported in the literature in individuals affected with SCN3A-related conditions. ClinVar contains an entry for this variant (Variation ID: 1307404). Advanced modeling of protein sequence and biophysical properties (such as structural, functional, and spatial information, amino acid conservation, physicochemical variation, residue mobility, and thermodynamic stability) performed at Invitae indicates that this missense variant is not expected to disrupt SCN3A protein function with a negative predictive value of 95%. In summary, the available evidence is currently insufficient to determine the role of this variant in disease. Therefore, it has been classified as a Variant of Uncertain Significance.